The following is an entry in ClinVar:

ClinVar aggregate classification (germline): Uncertain significance. Review status: criteria provided, multiple submitters, no conflicts (2 of 4 stars). 2 submissions from 2 submitters: Uncertain significance (2). Last evaluated 2024-12-12.

Conditions:
Inborn genetic diseases. Identifiers: MedGen C0950123, MeSH D030342.

Allele frequency attached by ClinVar (database versions not stated): gnomAD exomes below 0.00001; gnomAD 0.00001; TOPMed 0.00002.
gnomAD v4.1: 4 of 1,604,346 alleles (0.00025%); highest among the groups gnomAD compares: Non-Finnish European, 0.00034%; no homozygotes.

Submissions (2):

GeneDx
Classification: Uncertain significance. Last evaluated: 2024-12-12. Review status: criteria provided, single submitter. Criteria: GeneDx Variant Classification Process June 2021. Collection method: clinical testing. Allele origin: germline. Affected: yes.
Comment: Not observed at significant frequency in large population cohorts (gnomAD); In silico analysis supports that this missense variant has a deleterious effect on protein structure/function; Has not been previously published as pathogenic or benign to our knowledge

Ambry Genetics
Classification: Uncertain significance for Inborn genetic diseases. Last evaluated: 2023-07-12. Review status: criteria provided, single submitter. Criteria: Ambry Variant Classification Scheme 2023. Collection method: clinical testing. Allele origin: germline.

NM_001009944.3(PKD1):c.10151C>T (p.Ser3384Leu)

Gene: PKD1 (polycystin 1, transient receptor potential channel interacting; minus strand). Cytogenetic location: 16p13.3.
Variant type: single nucleotide variant.
Coding change: c.10151C>T on transcript NM_001009944.3 (MANE Select); coding-DNA position 10151, C replaced by T.
Protein change: p.Ser3384Leu; replaces serine 3384 with leucine.
Molecular consequence: missense variant.
Genome position (GRCh38, 1-based): chr16:2,097,884, G>A on the plus strand (C>T on the coding strand, the complement: PKD1 is on the minus strand). VCF-style: chr16-2097884-G-A. GRCh37 (hg19) VCF-style: chr16-2147885-G-A.
Other names: c.10151C>T, p.Ser3384Leu (NM_000296.4); short protein forms S3384L.
Identifiers: ClinVar variation 2610898 (VCV002610898.3), dbSNP rs1383556063, ClinGen allele CA394348103.